The following is an entry in ClinVar:

ClinVar aggregate classification (germline): Uncertain significance (1 of 4 stars; one submission).

Submission:

Labcorp Genetics (formerly Invitae), Labcorp
Classification: Uncertain significance. Last evaluated: 2022-07-19. Review status: criteria provided, single submitter. Criteria: Invitae Variant Classification Sherloc (09022015). Collection method: clinical testing. Allele origin: germline.
Comment: In summary, the available evidence is currently insufficient to determine the role of this variant in disease. Therefore, it has been classified as a Variant of Uncertain Significance. Algorithms developed to predict the effect of missense changes on protein structure and function are either unavailable or do not agree on the potential impact of this missense change (SIFT: "Not Available"; PolyPhen-2: "Probably Damaging"; Align-GVGD: "Not Available"). This variant has not been reported in the literature in individuals affected with BGN-related conditions. This variant is not present in population databases (gnomAD no frequency). This sequence change replaces leucine, which is neutral and non-polar, with valine, which is neutral and non-polar, at codon 284 of the BGN protein (p.Leu284Val).

NM_001711.6(BGN):c.850T>G (p.Leu284Val)

Gene: BGN (biglycan; plus strand). Cytogenetic location: Xq28.
Variant type: single nucleotide variant.
Coding change: c.850T>G on transcript NM_001711.6 (MANE Select); coding-DNA position 850, T replaced by G.
Protein change: p.Leu284Val; replaces leucine 284 with valine.
Molecular consequence: missense variant.
Genome position (GRCh38, 1-based): chrX:153,507,126, T>G. VCF-style: chrX-153507126-T-G. GRCh37 (hg19) VCF-style: chrX-152772584-T-G.
Other names: short protein forms L284V.
Identifiers: ClinVar variation 2009859 (VCV002009859.4), dbSNP rs2521221451, ClinGen allele CA415071475.